The following is an entry in ClinVar:

ClinVar aggregate classification (germline): Pathogenic (1 of 4 stars; one submission).

Conditions:
Asphyxiating thoracic dystrophy 5 (SRTD5). Also called: SHORT-RIB THORACIC DYSPLASIA 5 WITH OR WITHOUT POLYDACTYLY; SHORT-RIB THORACIC DYSPLASIA 5 WITHOUT POLYDACTYLY. Identifiers: Orphanet 474, MedGen C3280598, MONDO:0013717, OMIM 614376.
Senior-Loken syndrome 8 (SLSN8). Identifiers: Orphanet 3156, MedGen C4225376, MONDO:0014579, OMIM 616307.

Submission:

Labcorp Genetics (formerly Invitae), Labcorp
Classification: Pathogenic for Senior-Loken syndrome 8; Asphyxiating thoracic dystrophy 5. Last evaluated: 2021-12-22. Review status: criteria provided, single submitter. Criteria: Invitae Variant Classification Sherloc (09022015). Collection method: clinical testing. Allele origin: germline.
Comment: For these reasons, this variant has been classified as Pathogenic. This variant has not been reported in the literature in individuals affected with WDR19-related conditions. This variant is not present in population databases (gnomAD no frequency). This sequence change creates a premature translational stop signal (p.Arg141Asnfs*17) in the WDR19 gene. It is expected to result in an absent or disrupted protein product. Loss-of-function variants in WDR19 are known to be pathogenic (PMID: 22019273, 23559409, 23683095, 26275793, 27241786, 29068549).

Literature cited by the submitters: PubMed 22019273; PubMed 23559409; PubMed 23683095; PubMed 26275793; PubMed 27241786; PubMed 29068549.

NM_025132.4(WDR19):c.422_423del (p.Arg141fs)

Gene: WDR19 (WD repeat domain 19; plus strand). Cytogenetic location: 4p14.
Variant type: Microsatellite.
Coding change: c.422_423del on transcript NM_025132.4 (MANE Select); coding-DNA positions 422 to 423, 2 bases deleted (GA; older notation c.422_423delGA).
Protein change: p.Arg141fs; shifts the reading frame from arginine 141.
Molecular consequence: frameshift variant. On other transcripts: 5 prime UTR variant (1).
Genome position (GRCh38, 1-based): chr4:39,199,493-39,199,494, GA deleted; deleting any 2 consecutive bases within chr4:39,199,490-39,199,494 gives the same sequence; the c. name uses the placement nearest the transcript's 3' end. VCF-style (leftmost placement, unchanged base first): chr4-39199489-AAG-A. GRCh37 (hg19) VCF-style: chr4-39201109-AAG-A.
Other names: c.-61GA[1] (NM_001317924.2); short protein forms R141fs.
Identifiers: ClinVar variation 2052921 (VCV002052921.4), dbSNP rs556869079, ClinGen allele CA95683415.
Genomic context (GRCh38, chr4:39,199,489, plus strand): 5'-TTTTCTTTGAGAAATCCACATGTCTGTATAAAAATAATCTCTTTTTCAGGAAAACATACT[AAG>A]AGAATCACTTGTGGATGTTGGAATGCAGAAAATCTGCTTGCTTTAGGTGGTGAAGATAAA-3'